The following is an entry in ClinVar:

ClinVar aggregate classification (germline): Uncertain significance (1 of 4 stars; one submission).

Submission:

Labcorp Genetics (formerly Invitae), Labcorp
Classification: Uncertain significance. Last evaluated: 2023-08-17. Review status: criteria provided, single submitter. Criteria: Invitae Variant Classification Sherloc (09022015). Collection method: clinical testing. Allele origin: germline.
Comment: An algorithm developed to predict the effect of missense changes on protein structure and function (PolyPhen-2) suggests that this variant is likely to be disruptive. In summary, the available evidence is currently insufficient to determine the role of this variant in disease. Therefore, it has been classified as a Variant of Uncertain Significance. ClinVar contains an entry for this variant (Variation ID: 2025597). This variant has not been reported in the literature in individuals affected with MBTPS1-related conditions. This variant is not present in population databases (gnomAD no frequency). This sequence change replaces lysine, which is basic and polar, with asparagine, which is neutral and polar, at codon 709 of the MBTPS1 protein (p.Lys709Asn).

NM_003791.4(MBTPS1):c.2127G>T (p.Lys709Asn)

Gene: MBTPS1 (membrane bound transcription factor peptidase, site 1; minus strand). Cytogenetic location: 16q23.3.
Variant type: single nucleotide variant.
Coding change: c.2127G>T on transcript NM_003791.4 (MANE Select); coding-DNA position 2127, G replaced by T.
Protein change: p.Lys709Asn; replaces lysine 709 with asparagine.
Molecular consequence: missense variant.
Genome position (GRCh38, 1-based): chr16:84,067,768, C>A on the plus strand (G>T on the coding strand, the complement: MBTPS1 is on the minus strand). VCF-style: chr16-84067768-C-A. GRCh37 (hg19) VCF-style: chr16-84101373-C-A.
Other names: short protein forms K709N.
Identifiers: ClinVar variation 2025597 (VCV002025597.4), dbSNP rs2507745619, ClinGen allele CA396928718.